The following is an entry in ClinVar:

ClinVar aggregate classification (germline): Benign/Likely benign. Review status: criteria provided, multiple submitters, no conflicts (2 of 4 stars). 3 submissions from 3 submitters: Benign (1); Likely benign (2). Last evaluated 2025-08-14.

Conditions:
Familial melanoma. Also called: Hereditary melanoma; Hereditary cutaneous melanoma. Identifiers: Orphanet 618, MedGen C1512419, MONDO:0018961.
Hereditary cancer-predisposing syndrome. Also called: Tumor predisposition; Hereditary neoplastic syndrome; Neoplastic Syndromes, Hereditary; Hereditary Cancer Syndrome. Identifiers: Orphanet 140162, MedGen C0027672, MeSH D009386, MONDO:0015356.
Melanoma-pancreatic cancer syndrome. Identifiers: Orphanet 404560, MedGen C1838547, MONDO:0011713, OMIM 606719. Disease mechanism: loss of function.

Submissions (3):

Myriad Genetics, Inc.
Classification: Benign for Melanoma-pancreatic cancer syndrome. Last evaluated: 2025-08-14. Review status: criteria provided, single submitter. Criteria: Myriad Autosomal Dominant, Autosomal Recessive and X-Linked Classification Criteria (2023). Collection method: clinical testing. Allele origin: unknown.
Comment: This variant is considered benign. This variant is a silent/synonymous amino acid change and it is not expected to impact splicing.

Ambry Genetics
Classification: Likely benign for Hereditary cancer-predisposing syndrome. Last evaluated: 2024-12-06. Review status: criteria provided, single submitter. Criteria: Ambry Variant Classification Scheme 2023. Collection method: clinical testing. Allele origin: germline.

Labcorp Genetics (formerly Invitae), Labcorp
Classification: Likely benign for Familial melanoma. Last evaluated: 2021-01-15. Review status: criteria provided, single submitter. Criteria: Invitae Variant Classification Sherloc (09022015). Collection method: clinical testing. Allele origin: germline.

NM_000077.5(CDKN2A):c.147C>T (p.Ile49=)

Gene: CDKN2A (cyclin dependent kinase inhibitor 2A; minus strand). Cytogenetic location: 9p21.3.
Variant type: single nucleotide variant.
Coding change: c.147C>T on transcript NM_000077.5; coding-DNA position 147, C replaced by T.
Protein change: p.Ile49=; no amino-acid change (isoleucine 49 retained).
Molecular consequence: synonymous variant (on NM_000077.6). On other transcripts: intron variant (2).
Genome position (GRCh38, 1-based): chr9:21,974,681, G>A on the plus strand (C>T on the coding strand, the complement: CDKN2A is on the minus strand). VCF-style: chr9-21974681-G-A. GRCh37 (hg19) VCF-style: chr9-21974680-G-A.
Other names: c.147C>T, p.Ile49= (NM_000077.6, NM_001195132.2, NM_058197.5); c.-3-3473C>T (NM_001363763.2); c.194-3473C>T (NM_058195.4).
Identifiers: ClinVar variation 1461280 (VCV001461280.10), dbSNP rs200738474, ClinGen allele CA464100107.